The following is an entry in ClinVar:

ClinVar aggregate classification (germline): Uncertain significance. Review status: criteria provided, multiple submitters, no conflicts (2 of 4 stars). 2 submissions from 2 submitters: Uncertain significance (2). Last evaluated 2025-11-13.

Conditions:
Familial thoracic aortic aneurysm and aortic dissection (TAAD). Also called: Thoracic aortic aneurysms and dissections. Identifiers: Orphanet 91387, MedGen C4707243, MONDO:0019625.

Allele frequency attached by ClinVar (database versions not stated): gnomAD exomes below 0.00001; TOPMed 0.00001.
gnomAD v4.1: 1 of 1,614,082 alleles (0.000062%); highest among the groups gnomAD compares: Non-Finnish European, 0.000085%; no homozygotes.

Submissions (2):

Ambry Genetics
Classification: Uncertain significance for Familial thoracic aortic aneurysm and aortic dissection. Last evaluated: 2025-11-13. Review status: criteria provided, single submitter. Criteria: Ambry Variant Classification Scheme 2023. Collection method: clinical testing. Allele origin: germline.
Comment: The p.D1625N variant (also known as c.4873G>A), located in coding exon 33 of the MYH11 gene, results from a G to A substitution at nucleotide position 4873. The aspartic acid at codon 1625 is replaced by asparagine, an amino acid with highly similar properties. This amino acid position is highly conserved in available vertebrate species. In addition, the in silico prediction for this alteration is inconclusive. Based on the available evidence, the clinical significance of this variant remains unclear.

Blueprint Genetics
Classification: Uncertain significance. Last evaluated: 2021-09-13. Review status: criteria provided, single submitter. Criteria: ACMG Guidelines, 2015. Collection method: clinical testing. Allele origin: germline.

NM_002474.3(MYH11):c.4873G>A (p.Asp1625Asn)

Genes: MYH11 (myosin heavy chain 11; minus strand), NDE1 (nudE neurodevelopment protein 1; plus strand). Cytogenetic location: 16p13.11.
Variant type: single nucleotide variant.
Coding change: c.4873G>A on transcript NM_002474.3 (MANE Select); coding-DNA position 4873, G replaced by A.
Protein change: p.Asp1625Asn; replaces aspartic acid 1625 with asparagine.
Molecular consequence: missense variant. On other transcripts: intron variant (2).
Genome position (GRCh38, 1-based): chr16:15,720,231, C>T on the plus strand (G>A on the coding strand, the complement: MYH11 is on the minus strand). VCF-style: chr16-15720231-C-T. GRCh37 (hg19) VCF-style: chr16-15814088-C-T.
Other names: c.4894G>A, p.Asp1632Asn (NM_001040113.2, NM_001040114.2); c.4873G>A, p.Asp1625Asn (NM_022844.3); c.948-3960C>T (NM_001143979.2, NM_017668.3); short protein forms D1625N, D1632N.
Identifiers: ClinVar variation 1743734 (VCV001743734.4), dbSNP rs2040394548, ClinGen allele CA394852503.
Genomic context (GRCh38, chr16:15,720,231, plus strand): 5'-TGATGGCTTCCTCCCTCCCCTTGATGGCAGAGTCGGCCTGAAGCTCCAGGTCTTTCAGGT[C>T]CCCTTCCAGCTTCTTCTTTGCTGCAGCTGCCAGGGCACGTTGCTTTCGCTCGTCTTCCAG-3'
Protein context (NP_002465.1, residues 1615-1635): AAAAKKKLEG[Asp1625Asn]LKDLELQADS